The following is an entry in ClinVar:

ClinVar aggregate classification (germline): Benign/Likely benign. Review status: criteria provided, multiple submitters, no conflicts (2 of 4 stars). 6 submissions from 6 submitters: Benign (1); Likely benign (2). 3 of the submissions do not count toward it. Last evaluated 2025-12-22.

Conditions:
CDH23-related disorder. Also called: CDH23-related condition; CDH23-related disorders.

Allele frequency attached by ClinVar (database versions not stated): ESP Exome Variant Server 0.00008; gnomAD 0.00011 and 0.00018; TOPMed 0.00020; gnomAD exomes 0.00022 and 0.00043; ExAC 0.00056; 1000 Genomes Project 0.00060; 1000 Genomes Project 30x 0.00062.
gnomAD v4.1: 363 of 1,613,528 alleles (0.022%); highest among the groups gnomAD compares: South Asian, 0.31%; 2 homozygotes.

Submissions (6):

Labcorp Genetics (formerly Invitae), Labcorp
Classification: Benign. Last evaluated: 2025-12-22. Review status: criteria provided, single submitter. Criteria: Invitae Variant Classification Sherloc (09022015). Collection method: clinical testing. Allele origin: germline.

Blueprint Genetics
Classification: Likely benign. Last evaluated: 2024-11-08. Review status: criteria provided, single submitter. Criteria: ACMG Guidelines, 2015. Collection method: clinical testing. Allele origin: germline.

Laboratory for Molecular Medicine, Mass General Brigham Personalized Medicine
Classification: Likely benign. Last evaluated: 2012-04-30. Review status: criteria provided, single submitter. Criteria: LMM Criteria. Collection method: clinical testing. Allele origin: germline. Observed: 1 variant allele.
Comment: Ala409Ala in Exon 13 of CDH23: This variant is not expected to have clinical sig nificance because it does not alter an amino acid residue, is not located within the splice consensus sequence, and has been identified in 1/3360 African Americ an chromosomes from a broad population by the NHLBI Exome Sequencing Project.

PreventionGenetics, part of Exact Sciences
Classification: Likely benign for CDH23-related condition. Last evaluated: 2019-09-19. Review status: no assertion criteria provided. Collection method: clinical testing. Allele origin: germline. Not counted in ClinVar's aggregate classification.
Comment: This variant is classified as likely benign based on ACMG/AMP sequence variant interpretation guidelines (Richards et al. 2015 PMID: 25741868, with internal and published modifications).

Clinical Genetics DNA and cytogenetics Diagnostics Lab, Erasmus MC, Erasmus Medical Center
Classification: Likely benign. Review status: no assertion criteria provided. Collection method: clinical testing. Allele origin: germline. Affected: yes. Study: VKGL Data-share Consensus. Not counted in ClinVar's aggregate classification.

Clinical Genetics, Academic Medical Center
Classification: Likely benign. Review status: no assertion criteria provided. Collection method: clinical testing. Allele origin: germline. Affected: yes. Study: VKGL Data-share Consensus. Not counted in ClinVar's aggregate classification.

NM_022124.6(CDH23):c.1227G>A (p.Ala409=)

Gene: CDH23 (cadherin related 23; plus strand). Cytogenetic location: 10q22.1.
Variant type: single nucleotide variant.
Coding change: c.1227G>A on transcript NM_022124.6 (MANE Select); coding-DNA position 1227, G replaced by A.
Protein change: p.Ala409=; no amino-acid change (alanine 409 retained).
Molecular consequence: synonymous variant.
Genome position (GRCh38, 1-based): chr10:71,645,917, G>A. VCF-style: chr10-71645917-G-A. GRCh37 (hg19) VCF-style: chr10-73405674-G-A.
Other names: c.1227G>A, p.Ala409= (NM_001171930.2, NM_001171931.2, NM_052836.4).
Identifiers: ClinVar variation 178298 (VCV000178298.20), dbSNP rs371212430, ClinGen allele CA182063.